The following is an entry in ClinVar:

NM_004145.4(MYO9B):c.6124G>A (p.Ala2042Thr)

Gene: MYO9B (myosin IXB; plus strand). Cytogenetic location: 19p13.11.
Variant type: single nucleotide variant.
Coding change: c.6124G>A on transcript NM_004145.4 (MANE Select); coding-DNA position 6124, G replaced by A.
Protein change: p.Ala2042Thr; replaces alanine 2042 with threonine.
Molecular consequence: missense variant. On other transcripts: 3 prime UTR variant (1).
Genome position (GRCh38, 1-based): chr19:17,211,960, G>A. VCF-style: chr19-17211960-G-A. GRCh37 (hg19) VCF-style: chr19-17322769-G-A.
Other names: c.*67G>A (NM_001130065.2); short protein forms A2042T.
Identifiers: ClinVar variation 3055101 (VCV003055101.3), dbSNP rs377015078, ClinGen allele CA9288836.

ClinVar aggregate classification (germline): Uncertain significance. Review status: criteria provided, single submitter (1 of 4 stars). 2 submissions from 2 submitters: Uncertain significance (1). 1 of the submissions does not count toward it. Last evaluated 2025-11-05.

Conditions:
MYO9B-related disorder. Also called: MYO9B-related condition.

Allele frequency attached by ClinVar (database versions not stated): gnomAD exomes 0.00016; gnomAD 0.00193; 1000 Genomes Project 0.00100; ESP Exome Variant Server 0.00124; ExAC 0.00028.
gnomAD v4.1: 273 of 858,392 alleles (0.032%); highest among the groups gnomAD compares: African/African-American, 0.56%; no homozygotes.

Submissions (2):

Ambry Genetics
Classification: Uncertain significance. Last evaluated: 2025-11-05. Review status: criteria provided, single submitter. Criteria: Ambry Variant Classification Scheme 2023. Collection method: clinical testing. Allele origin: germline.

PreventionGenetics, part of Exact Sciences
Classification: Likely benign for MYO9B-related condition. Last evaluated: 2023-02-08. Review status: no assertion criteria provided. Collection method: clinical testing. Allele origin: germline. Not counted in ClinVar's aggregate classification.
Comment: This variant is classified as likely benign based on ACMG/AMP sequence variant interpretation guidelines (Richards et al. 2015 PMID: 25741868, with internal and published modifications).